The following is an entry in ClinVar:

ClinVar aggregate classification (germline): Conflicting classifications of pathogenicity. Review status: criteria provided, conflicting classifications (1 of 4 stars). 3 submissions from 3 submitters: Uncertain significance (2); Likely benign (1). Last evaluated 2025-06-10.

Conditions:
Inborn genetic diseases. Identifiers: MedGen C0950123, MeSH D030342.
Mowat-Wilson syndrome (MOWS). Also called: Classic Mowat-Wilson Syndrome. Identifiers: Orphanet 2152, MedGen C1856113, MONDO:0009341, OMIM 235730.

Allele frequency attached by ClinVar (database versions not stated): gnomAD exomes below 0.00001; ExAC 0.00001.
gnomAD v4.1: 1 of 1,614,256 alleles (0.000062%); highest among the groups gnomAD compares: South Asian, 0.0011%; no homozygotes.

Submissions (3):

Ambry Genetics
Classification: Uncertain significance for Inborn genetic diseases. Last evaluated: 2025-06-10. Review status: criteria provided, single submitter. Criteria: Ambry Variant Classification Scheme 2023. Collection method: clinical testing. Allele origin: germline.

CeGaT Center for Human Genetics Tuebingen
Classification: Uncertain significance. Last evaluated: 2023-01-01. Review status: criteria provided, single submitter. Criteria: CeGaT Center For Human Genetics Tuebingen Variant Classification Criteria Version 2. Collection method: clinical testing. Allele origin: germline. Affected: yes. Observed: 1 variant allele.
Comment: ZEB2: PP2, BP4

Labcorp Genetics (formerly Invitae), Labcorp
Classification: Likely benign for Mowat-Wilson syndrome. Last evaluated: 2022-09-06. Review status: criteria provided, single submitter. Criteria: Invitae Variant Classification Sherloc (09022015). Collection method: clinical testing. Allele origin: germline.

NM_014795.4(ZEB2):c.470A>G (p.Asp157Gly)

Gene: ZEB2 (zinc finger E-box binding homeobox 2; minus strand). Cytogenetic location: 2q22.3.
Variant type: single nucleotide variant.
Coding change: c.470A>G on transcript NM_014795.4 (MANE Select); coding-DNA position 470, A replaced by G.
Protein change: p.Asp157Gly; replaces aspartic acid 157 with glycine.
Molecular consequence: missense variant.
Genome position (GRCh38, 1-based): chr2:144,404,958, T>C on the plus strand (A>G on the coding strand, the complement: ZEB2 is on the minus strand). VCF-style: chr2-144404958-T-C. GRCh37 (hg19) VCF-style: chr2-145162525-T-C.
Other names: c.398A>G, p.Asp133Gly (NM_001171653.2); c.470A>G (NM_014795.3); short protein forms D133G, D157G.
Identifiers: ClinVar variation 1442113 (VCV001442113.29), dbSNP rs761041545, ClinGen allele CA1898470.